The following is an entry in ClinVar:

NM_000489.6(ATRX):c.3848A>G (p.Asn1283Ser)

Gene: ATRX (ATRX chromatin remodeler; minus strand). Cytogenetic location: Xq21.1.
Variant type: single nucleotide variant.
Coding change: c.3848A>G on transcript NM_000489.6 (MANE Select); coding-DNA position 3848, A replaced by G.
Protein change: p.Asn1283Ser; replaces asparagine 1283 with serine.
Molecular consequence: missense variant.
Genome position (GRCh38, 1-based): chrX:77,664,740, T>C on the plus strand (A>G on the coding strand, the complement: ATRX is on the minus strand). VCF-style: chrX-77664740-T-C. GRCh37 (hg19) VCF-style: chrX-76920229-T-C.
Other names: c.3734A>G, p.Asn1245Ser (NM_138270.5); short protein forms N1245S, N1283S.
Identifiers: ClinVar variation 1176314 (VCV001176314.43), dbSNP rs201588422, ClinGen allele CA10457884.

ClinVar aggregate classification (germline): Conflicting classifications of pathogenicity. Review status: criteria provided, conflicting classifications (1 of 4 stars). 4 submissions from 4 submitters: Uncertain significance (3); Benign (1). Last evaluated 2025-03-29.

Conditions:
Alpha thalassemia-X-linked intellectual disability syndrome (ATRX). Also called: X-linked alpha-thalassemia-mental retardation syndrome; ALPHA-THALASSEMIA/IMPAIRED INTELLECTUAL DEVELOPMENT SYNDROME, X-LINKED; ALPHA-THALASSEMIA/MENTAL RETARDATION SYNDROME, X-LINKED; ATR, NONDELETION TYPE; ATR-X syndrome; Alpha thalassemia mental retardation syndrome, nondeletion type, X-linked. Identifiers: Orphanet 847, MedGen C1845055, MONDO:0010519, OMIM 301040.

Allele frequency attached by ClinVar (database versions not stated): gnomAD exomes 0.00001; gnomAD 0.00006 and 0.00002; 1000 Genomes Project 0.00026; TOPMed 0.00001; 1000 Genomes Project 30x 0.00021; ExAC 0.00001.
gnomAD v4.1: 16 of 1,205,788 alleles (0.0013%); highest among the groups gnomAD compares: Middle Eastern, 0.092%; 1 homozygote.

Submissions (4):

Labcorp Genetics (formerly Invitae), Labcorp
Classification: Benign for Alpha thalassemia-X-linked intellectual disability syndrome. Last evaluated: 2025-03-29. Review status: criteria provided, single submitter. Criteria: Invitae Variant Classification Sherloc (09022015). Collection method: clinical testing. Allele origin: germline.

CeGaT Center for Human Genetics Tuebingen
Classification: Uncertain significance. Last evaluated: 2021-04-01. Review status: criteria provided, single submitter. Criteria: CeGaT Center For Human Genetics Tuebingen Variant Classification Criteria Version 2. Collection method: clinical testing. Allele origin: germline. Affected: yes. Observed: 1 variant allele.

GeneDx
Classification: Uncertain significance. Last evaluated: 2020-02-07. Review status: criteria provided, single submitter. Criteria: GeneDx Variant Classification Process June 2021. Collection method: clinical testing. Allele origin: germline. Affected: yes.
Comment: In silico analysis supports that this missense variant does not alter protein structure/function; Has not been previously published as pathogenic or benign to our knowledge

Breakthrough Genomics
Classification: Uncertain significance. Review status: criteria provided, single submitter. Criteria: ACMG Guidelines, 2015. Collection method: not provided. Allele origin: germline. Inheritance: X-linked inheritance. Affected: yes.